The following is an entry in ClinVar:

ClinVar aggregate classification (germline): Uncertain significance (1 of 4 stars; one submission).

Submission:

Labcorp Genetics (formerly Invitae), Labcorp
Classification: Uncertain significance. Last evaluated: 2023-12-09. Review status: criteria provided, single submitter. Criteria: Invitae Variant Classification Sherloc (09022015). Collection method: clinical testing. Allele origin: germline.
Comment: This sequence change replaces glutamic acid, which is acidic and polar, with glutamine, which is neutral and polar, at codon 458 of the VCAN protein (p.Glu458Gln). This variant is not present in population databases (gnomAD no frequency). This variant has not been reported in the literature in individuals affected with VCAN-related conditions. Algorithms developed to predict the effect of missense changes on protein structure and function output the following: SIFT: "Not Available"; PolyPhen-2: "Benign"; Align-GVGD: "Not Available". The glutamine amino acid residue is found in multiple mammalian species, which suggests that this missense change does not adversely affect protein function. In summary, the available evidence is currently insufficient to determine the role of this variant in disease. Therefore, it has been classified as a Variant of Uncertain Significance.

NM_004385.5(VCAN):c.1372G>C (p.Glu458Gln)

Gene: VCAN (versican; plus strand). Cytogenetic location: 5q14.3.
Variant type: single nucleotide variant.
Coding change: c.1372G>C on transcript NM_004385.5 (MANE Select); coding-DNA position 1372, G replaced by C.
Protein change: p.Glu458Gln; replaces glutamic acid 458 with glutamine.
Molecular consequence: missense variant. On other transcripts: intron variant (2).
Genome position (GRCh38, 1-based): chr5:83,519,678, G>C. VCF-style: chr5-83519678-G-C. GRCh37 (hg19) VCF-style: chr5-82815497-G-C.
Other names: c.1372G>C, p.Glu458Gln (NM_001164098.2); c.1042+7282G>C (NM_001164097.2, NM_001126336.3); short protein forms E458Q.
Identifiers: ClinVar variation 2847972 (VCV002847972.3), dbSNP rs1745999543, ClinGen allele CA360299980.